The following is an entry in ClinVar:

NM_003070.5(SMARCA2):c.4237G>A (p.Glu1413Lys)

Gene: SMARCA2 (SWI/SNF related BAF chromatin remodeling complex subunit ATPase 2; plus strand). Cytogenetic location: 9p24.3.
Variant type: single nucleotide variant.
Coding change: c.4237G>A on transcript NM_003070.5 (MANE Select); coding-DNA position 4237, G replaced by A.
Protein change: p.Glu1413Lys; replaces glutamic acid 1413 with lysine.
Molecular consequence: missense variant. On other transcripts: intron variant (5).
Genome position (GRCh38, 1-based): chr9:2,170,456, G>A. VCF-style: chr9-2170456-G-A. GRCh37 (hg19) VCF-style: chr9-2170456-G-A.
Other names: c.4237G>A, p.Glu1413Lys (NM_001289396.2); c.4199+8553G>A (NM_139045.4); c.4025+8553G>A (NM_001289397.2); c.227+8553G>A (NM_001289398.2); c.317+8553G>A (NM_001289400.2); c.311+8553G>A (NM_001289399.2); short protein forms E1413K.
Identifiers: ClinVar variation 2855529 (VCV002855529.3), dbSNP rs2537535392, ClinGen allele CA372787907.

ClinVar aggregate classification (germline): Uncertain significance (1 of 4 stars; one submission).

gnomAD v4.1: 1 of 1,614,120 alleles (0.000062%); highest among the groups gnomAD compares: Non-Finnish European, 0.000085%; no homozygotes.

Submission:

Labcorp Genetics (formerly Invitae), Labcorp
Classification: Uncertain significance. Last evaluated: 2024-10-24. Review status: criteria provided, single submitter. Criteria: Invitae Variant Classification Sherloc (09022015). Collection method: clinical testing. Allele origin: germline.
Comment: This sequence change replaces glutamic acid, which is acidic and polar, with lysine, which is basic and polar, at codon 1413 of the SMARCA2 protein (p.Glu1413Lys). This variant is not present in population databases (gnomAD no frequency). This variant has not been reported in the literature in individuals affected with SMARCA2-related conditions. Invitae Evidence Modeling of protein sequence and biophysical properties (such as structural, functional, and spatial information, amino acid conservation, physicochemical variation, residue mobility, and thermodynamic stability) indicates that this missense variant is not expected to disrupt SMARCA2 protein function with a negative predictive value of 95%. In summary, the available evidence is currently insufficient to determine the role of this variant in disease. Therefore, it has been classified as a Variant of Uncertain Significance.